The following is an entry in ClinVar:

ClinVar aggregate classification (germline): Conflicting classifications of pathogenicity. Review status: criteria provided, conflicting classifications (1 of 4 stars). 2 submissions from 2 submitters: Uncertain significance (1); Likely benign (1). Last evaluated 2025-08-02.

Allele frequency attached by ClinVar (database versions not stated): gnomAD exomes 0.00031; ExAC 0.00065; 1000 Genomes Project 30x 0.00141; ESP Exome Variant Server 0.00144; 1000 Genomes Project 0.00160.
gnomAD v4.1: 799 of 1,610,624 alleles (0.05%); highest among the groups gnomAD compares: African/African-American, 0.79%; 6 homozygotes.

Submissions (2):

Ambry Genetics
Classification: Uncertain significance. Last evaluated: 2025-08-02. Review status: criteria provided, single submitter. Criteria: Ambry Variant Classification Scheme 2023. Collection method: clinical testing. Allele origin: germline.

CeGaT Center for Human Genetics Tuebingen
Classification: Likely benign. Last evaluated: 2022-06-01. Review status: criteria provided, single submitter. Criteria: CeGaT Center For Human Genetics Tuebingen Variant Classification Criteria Version 2. Collection method: clinical testing. Allele origin: germline. Affected: yes. Observed: 1 variant allele.
Comment: RADIL: BS2

NM_018059.5(RADIL):c.2743G>T (p.Gly915Trp)

Gene: RADIL (Rap associating with DIL domain; minus strand). Cytogenetic location: 7p22.1.
Variant type: single nucleotide variant.
Coding change: c.2743G>T on transcript NM_018059.5 (MANE Select); coding-DNA position 2743, G replaced by T.
Protein change: p.Gly915Trp; replaces glycine 915 with tryptophan.
Molecular consequence: missense variant.
Genome position (GRCh38, 1-based): chr7:4,801,752, C>A on the plus strand (G>T on the coding strand, the complement: RADIL is on the minus strand). VCF-style: chr7-4801752-C-A. GRCh37 (hg19) VCF-style: chr7-4841383-C-A.
Other names: c.2743G>T (NM_018059.4); short protein forms G915W.
Identifiers: ClinVar variation 2657260 (VCV002657260.25), dbSNP rs190559381, ClinGen allele CA4138805.